The following is an entry in ClinVar:

ClinVar aggregate classification (germline): Uncertain significance (1 of 4 stars; one submission).

Conditions:
Cardiovascular phenotype. Identifiers: MedGen CN230736.

Submission:

Ambry Genetics
Classification: Uncertain significance for Cardiovascular phenotype. Last evaluated: 2015-09-22. Review status: criteria provided, single submitter. Criteria: Ambry Autosomal Dominant and X-Linked criteria (10/2015). Collection method: clinical testing. Allele origin: germline. Observed: 1 variant allele.
Comment: The p.D522V variant (also known as c.1565A>T), located in coding exon 7 of the TGFBR2 gene, results from an A to T substitution at nucleotide position 1565. In the ESP, this variant was not observed in 6503 samples (13006 alleles) with coverage at this position.<span style="line-height:1.6">This amino acid position is highly conserved in available vertebrate species. In addition, this alteration is predicted to be probably damaging and deleterious by PolyPhen<span style="line-height:1.6"> and SIFT <em style="line-height:1.6">in silico<span style="line-height:1.6"> analyses<span style="line-height:1.6">, respectively.<span style="color:black; font-family:arial,sans-serif; font-size:10pt">Since supporting evidence is limited at this time, the clinical significance of this variant remains unclear.

Literature cited by the submitters: PubMed 17599521.

NM_003242.6(TGFBR2):c.1565A>T (p.Asp522Val)

Gene: TGFBR2 (transforming growth factor beta receptor 2; plus strand). Cytogenetic location: 3p24.1.
Variant type: single nucleotide variant.
Coding change: c.1565A>T on transcript NM_003242.6 (MANE Select); coding-DNA position 1565, A replaced by T.
Protein change: p.Asp522Val; replaces aspartic acid 522 with valine.
Molecular consequence: missense variant.
Genome position (GRCh38, 1-based): chr3:30,691,460, A>T. VCF-style: chr3-30691460-A-T. GRCh37 (hg19) VCF-style: chr3-30732952-A-T.
Other names: c.1640A>T, p.Asp547Val (NM_001024847.3); c.1748A>T, p.Asp583Val (NM_001407126.1); c.1673A>T, p.Asp558Val (NM_001407127.1); c.1592A>T, p.Asp531Val (NM_001407128.1); c.1568A>T, p.Asp523Val (NM_001407129.1); c.1562A>T, p.Asp521Val (NM_001407130.1); c.1460A>T, p.Asp487Val (NM_001407132.1, NM_001407133.1, NM_001407134.1 and 2 more transcripts); c.1280A>T, p.Asp427Val (NM_001407137.1); and 2 more; short protein forms D522V, D547V, D487V, D558V, D583V, D427V, D531V, D232V.
Identifiers: ClinVar variation 263334 (VCV000263334.4), dbSNP rs886038768, ClinGen allele CA10587573.
Genomic context (GRCh38, chr3:30,691,460, plus strand): 5'-GGATCTCTTTCCCGCTACAGGGCATCCAGATGGTGTGTGAGACGTTGACTGAGTGCTGGG[A>T]CCACGACCCAGAGGCCCGTCTCACAGCCCAGTGTGTGGCAGAACGCTTCAGTGAGCTGGA-3'
Protein context (NP_003233.4, residues 512-532): MVCETLTECW[Asp522Val]HDPEARLTAQ